The following is an entry in ClinVar:

ClinVar aggregate classification (germline): Likely pathogenic (1 of 4 stars; one submission).

Conditions:
Deficiency of aromatic-L-amino-acid decarboxylase. Also called: AADC DEFICIENCY; DDC DEFICIENCY; DOPA DECARBOXYLASE DEFICIENCY; Aromatic L-Amino Acid Decarboxylase Deficiency; Aromatic amino acid decarboxylase deficiency. Identifiers: Orphanet 35708, MedGen C1291564, MONDO:0012084, OMIM 608643.

Allele frequency attached by ClinVar (database versions not stated): gnomAD exomes below 0.00001; TOPMed below 0.00001.
gnomAD v4.1: 1 of 1,610,714 alleles (0.000062%); highest among the groups gnomAD compares: Non-Finnish European, 0.000085%; no homozygotes.

Submission:

Labcorp Genetics (formerly Invitae), Labcorp
Classification: Likely pathogenic for Deficiency of aromatic-L-amino-acid decarboxylase. Last evaluated: 2023-03-18. Review status: criteria provided, single submitter. Criteria: Invitae Variant Classification Sherloc (09022015). Collection method: clinical testing. Allele origin: germline.
Comment: This variant has not been reported in the literature in individuals affected with DDC-related conditions. This sequence change affects an acceptor splice site in intron 7 of the DDC gene. It is expected to disrupt RNA splicing. Variants that disrupt the donor or acceptor splice site typically lead to a loss of protein function (PMID: 16199547), and loss-of-function variants in DDC are known to be pathogenic (PMID: 15079002, 24788355). This variant is not present in population databases (gnomAD no frequency). Algorithms developed to predict the effect of sequence changes on RNA splicing suggest that this variant may disrupt the consensus splice site. In summary, the currently available evidence indicates that the variant is pathogenic, but additional data are needed to prove that conclusively. Therefore, this variant has been classified as Likely Pathogenic.

Literature cited by the submitters: PubMed 16199547; PubMed 15079002; PubMed 24788355.

NM_001082971.2(DDC):c.782-2A>T

Gene: DDC (dopa decarboxylase; minus strand). Cytogenetic location: 7p12.2.
Variant type: single nucleotide variant.
Coding change: c.782-2A>T on transcript NM_001082971.2 (MANE Select); the canonical splice acceptor site of the intron before coding-DNA position 782, A replaced by T.
Molecular consequence: splice acceptor variant.
Genome position (GRCh38, 1-based): chr7:50,499,244, T>A on the plus strand (A>T on the coding strand, the complement: DDC is on the minus strand). VCF-style: chr7-50499244-T-A. GRCh37 (hg19) VCF-style: chr7-50566942-T-A.
Other names: c.548-2A>T (NM_001242888.2); c.668-2A>T (NM_001242886.2); c.503-2A>T (NM_001242889.2); c.638-2A>T (NM_001242887.2); c.782-2A>T (NM_000790.4, NM_001242890.2).
Identifiers: ClinVar variation 2962231 (VCV002962231.3), dbSNP rs2043195305, ClinGen allele CA367538409.